The following is an entry in ClinVar:

ClinVar aggregate classification (germline): Uncertain significance (1 of 4 stars; one submission).

Conditions:
Hereditary sensory and autonomic neuropathy type 7. Also called: HSAN VII; Neuropathy, hereditary sensory and autonomic, type VII. Identifiers: Orphanet 391397, MedGen C3809882, MONDO:0014244, OMIM 615548.
Familial episodic pain syndrome with predominantly lower limb involvement. Also called: Episodic pain syndrome, familial, 3. Identifiers: Orphanet 391384, Orphanet 391392, MedGen C3809899, MONDO:0014247, OMIM 615552.

gnomAD v4.1: 11 of 1,614,152 alleles (0.00068%); highest among the groups gnomAD compares: Non-Finnish European, 0.00085%; no homozygotes.

Submission:

Labcorp Genetics (formerly Invitae), Labcorp
Classification: Uncertain significance for Familial episodic pain syndrome with predominantly lower limb involvement; Hereditary sensory and autonomic neuropathy type 7. Last evaluated: 2024-05-08. Review status: criteria provided, single submitter. Criteria: Invitae Variant Classification Sherloc (09022015). Collection method: clinical testing. Allele origin: germline.
Comment: This sequence change replaces arginine, which is basic and polar, with leucine, which is neutral and non-polar, at codon 1658 of the SCN11A protein (p.Arg1658Leu). This variant is not present in population databases (gnomAD no frequency). This variant has not been reported in the literature in individuals affected with SCN11A-related conditions. Advanced modeling of protein sequence and biophysical properties (such as structural, functional, and spatial information, amino acid conservation, physicochemical variation, residue mobility, and thermodynamic stability) performed at Invitae indicates that this missense variant is not expected to disrupt SCN11A protein function with a negative predictive value of 80%. In summary, the available evidence is currently insufficient to determine the role of this variant in disease. Therefore, it has been classified as a Variant of Uncertain Significance.

NM_001349253.2(SCN11A):c.4973G>T (p.Arg1658Leu)

Gene: SCN11A (sodium voltage-gated channel alpha subunit 11; minus strand). Cytogenetic location: 3p22.2.
Variant type: single nucleotide variant.
Coding change: c.4973G>T on transcript NM_001349253.2 (MANE Select); coding-DNA position 4973, G replaced by T.
Protein change: p.Arg1658Leu; replaces arginine 1658 with leucine.
Molecular consequence: missense variant.
Genome position (GRCh38, 1-based): chr3:38,847,097, C>A on the plus strand (G>T on the coding strand, the complement: SCN11A is on the minus strand). VCF-style: chr3-38847097-C-A. GRCh37 (hg19) VCF-style: chr3-38888588-C-A.
Other names: c.4973G>T, p.Arg1658Leu (NM_014139.3); short protein forms R1658L.
Identifiers: ClinVar variation 3750799 (VCV003750799.2).